The following is an entry in ClinVar:

ClinVar aggregate classification (germline): Uncertain significance. Review status: criteria provided, multiple submitters, no conflicts (2 of 4 stars). 2 submissions from 2 submitters: Uncertain significance (2). Last evaluated 2023-09-05.

Conditions:
Erythrocytosis, familial, 3 (ECYT3). Identifiers: Orphanet 247511, MedGen C1853286, MONDO:0012353, OMIM 609820.

Allele frequency attached by ClinVar (database versions not stated): gnomAD exomes below 0.00001.

Submissions (2):

Ambry Genetics
Classification: Uncertain significance. Last evaluated: 2023-09-05. Review status: criteria provided, single submitter. Criteria: Ambry Variant Classification Scheme 2023. Collection method: clinical testing. Allele origin: germline.
Comment: The p.K55R variant (also known as c.164A>G), located in coding exon 1 of the EGLN1 gene, results from an A to G substitution at nucleotide position 164. The lysine at codon 55 is replaced by arginine, an amino acid with highly similar properties. This amino acid position is conserved. In addition, this alteration is predicted to be tolerated by in silico analysis. Since supporting evidence is limited at this time, the clinical significance of this alteration remains unclear.

Labcorp Genetics (formerly Invitae), Labcorp
Classification: Uncertain significance for Erythrocytosis, familial, 3. Last evaluated: 2023-08-17. Review status: criteria provided, single submitter. Criteria: Invitae Variant Classification Sherloc (09022015). Collection method: clinical testing. Allele origin: germline.
Comment: This sequence change replaces lysine, which is basic and polar, with arginine, which is basic and polar, at codon 55 of the EGLN1 protein (p.Lys55Arg). This variant is not present in population databases (gnomAD no frequency). This variant has not been reported in the literature in individuals affected with EGLN1-related conditions. An algorithm developed to predict the effect of missense changes on protein structure and function (PolyPhen-2) suggests that this variant is likely to be disruptive. In summary, the available evidence is currently insufficient to determine the role of this variant in disease. Therefore, it has been classified as a Variant of Uncertain Significance.

NM_022051.3(EGLN1):c.164A>G (p.Lys55Arg)

Gene: EGLN1 (egl-9 family hypoxia inducible factor 1; minus strand). Cytogenetic location: 1q42.2.
Variant type: single nucleotide variant.
Coding change: c.164A>G on transcript NM_022051.3 (MANE Select); coding-DNA position 164, A replaced by G.
Protein change: p.Lys55Arg; replaces lysine 55 with arginine.
Molecular consequence: missense variant.
Genome position (GRCh38, 1-based): chr1:231,421,725, T>C on the plus strand (A>G on the coding strand, the complement: EGLN1 is on the minus strand). VCF-style: chr1-231421725-T-C. GRCh37 (hg19) VCF-style: chr1-231557471-T-C.
Other names: c.164A>G, p.Lys55Arg (NM_001377260.1, NM_001377261.1); short protein forms K55R.
Identifiers: ClinVar variation 2626712 (VCV002626712.5), dbSNP rs2527361576, ClinGen allele CA345238845.